The following is an entry in ClinVar:

ClinVar aggregate classification (germline): Uncertain significance (1 of 4 stars; one submission).

Conditions:
Loeys-Dietz syndrome 2 (LDS2). Also called: AORTIC ANEURYSM, FAMILIAL THORACIC 3; MARFAN SYNDROME, TYPE II; Marfan syndrome, type 2 (formerly); TGFBR2-Related Loeys-Dietz Syndrome; Marfan Syndrome type 2; Marfan like connective tissue disorder. Identifiers: Orphanet 284973, Orphanet 558, MedGen C2674574, MONDO:0012427, OMIM 610168.

Allele frequency attached by ClinVar (database versions not stated): TOPMed 0.00004; 1000 Genomes Project 30x 0.00031.
gnomAD v4.1: 21 of 1,614,076 alleles (0.0013%); highest among the groups gnomAD compares: Admixed American, 0.027%; no homozygotes.

Submission:

Labcorp Genetics (formerly Invitae), Labcorp
Classification: Uncertain significance for Loeys-Dietz syndrome 2. Last evaluated: 2025-11-17. Review status: criteria provided, single submitter. Criteria: Invitae Variant Classification Sherloc (09022015). Collection method: clinical testing. Allele origin: germline.
Comment: This sequence change creates a premature translational stop signal (p.Gln350*) in the TMPO gene. While this is not anticipated to result in nonsense mediated decay, it is expected to disrupt the last 345 amino acid(s) of the TMPO protein. This variant is present in population databases (rs200124801, gnomAD 0.02%). This variant has not been reported in the literature in individuals affected with TMPO-related conditions. ClinVar contains an entry for this variant (Variation ID: 536978). In summary, the available evidence is currently insufficient to determine the role of this variant in disease. Therefore, it has been classified as a Variant of Uncertain Significance.

NM_001032283.3(TMPO):c.565+1467C>T

Gene: TMPO (thymopoietin; plus strand). Cytogenetic location: 12q23.1.
Variant type: single nucleotide variant.
Coding change: c.565+1467C>T on transcript NM_001032283.3 (MANE Select); 1467 bases into the intron after coding-DNA position 565, C replaced by T.
Molecular consequence: intron variant. On other transcripts: nonsense (1).
Genome position (GRCh38, 1-based): chr12:98,533,305, C>T. VCF-style: chr12-98533305-C-T. GRCh37 (hg19) VCF-style: chr12-98927083-C-T.
Other names: c.1048C>T, p.Gln350Ter (NM_003276.2); c.565+1467C>T (NM_001307975.2, NM_001032284.3); short protein forms Q350*.
Identifiers: ClinVar variation 536978 (VCV000536978.10), dbSNP rs200124801, ClinGen allele CA6732348.
Genomic context (GRCh38, chr12:98,533,305, plus strand): 5'-TGCGGTAGAGAGAAAAGTGGAATTCAACCATTATGTCCTGAGAGGTCCCATATTTCAGAT[C>T]AATCGCCTCTCTCCAGTAAAAGGAAAGCACTAGAAGAGTCTGAGAGCTCACAACTAATTT-3'